The following is an entry in ClinVar:

NM_001204.7(BMPR2):c.1331C>T (p.Pro444Leu)

Gene: BMPR2 (bone morphogenetic protein receptor type 2; plus strand). Cytogenetic location: 2q33.2.
Variant type: single nucleotide variant.
Coding change: c.1331C>T on transcript NM_001204.7 (MANE Select); coding-DNA position 1331, C replaced by T.
Protein change: p.Pro444Leu; replaces proline 444 with leucine.
Molecular consequence: missense variant.
Genome position (GRCh38, 1-based): chr2:202,542,365, C>T. VCF-style: chr2-202542365-C-T. GRCh37 (hg19) VCF-style: chr2-203407088-C-T.
Other names: short protein forms P444L.
Identifiers: ClinVar variation 5033117 (VCV005033117.1).

ClinVar aggregate classification (germline): Uncertain significance (1 of 4 stars; one submission).

Conditions:
Inborn genetic diseases. Identifiers: MedGen C0950123, MeSH D030342.

Submission:

Ambry Genetics
Classification: Uncertain significance for Inborn genetic diseases. Last evaluated: 2026-08-15. Review status: criteria provided, single submitter. Criteria: Ambry Variant Classification Scheme 2023. Collection method: clinical testing. Allele origin: germline.
Comment: The p.P444L variant (also known as c.1331C>T), located in coding exon 10 of the BMPR2 gene, results from a C to T substitution at nucleotide position 1331. The proline at codon 444 is replaced by leucine, an amino acid with similar properties. This amino acid position is conserved. In addition, this alteration is predicted to be deleterious by in silico analysis. Based on the available evidence, the clinical significance of this variant remains unclear.